The following is an entry in ClinVar:

ClinVar aggregate classification (germline): Uncertain significance (1 of 4 stars; one submission).

Conditions:
Inborn genetic diseases. Identifiers: MedGen C0950123, MeSH D030342.

Submission:

Ambry Genetics
Classification: Uncertain significance for Inborn genetic diseases. Last evaluated: 2026-05-18. Review status: criteria provided, single submitter. Criteria: Ambry Variant Classification Scheme 2023. Collection method: clinical testing. Allele origin: germline.
Comment: The p.G996C variant (also known as c.2986G>T), located in coding exon 13 of the ASXL1 gene, results from a G to T substitution at nucleotide position 2986. The glycine at codon 996 is replaced by cysteine, an amino acid with highly dissimilar properties. This amino acid position is conserved. In addition, this alteration is predicted to be tolerated by in silico analysis. Based on the available evidence, the clinical significance of this variant remains unclear.

NM_015338.6(ASXL1):c.2986G>T (p.Gly996Cys)

Gene: ASXL1 (ASXL transcriptional regulator 1; plus strand). Cytogenetic location: 20q11.21.
Variant type: single nucleotide variant.
Coding change: c.2986G>T on transcript NM_015338.6 (MANE Select); coding-DNA position 2986, G replaced by T.
Protein change: p.Gly996Cys; replaces glycine 996 with cysteine.
Molecular consequence: missense variant.
Genome position (GRCh38, 1-based): chr20:32,435,698, G>T. VCF-style: chr20-32435698-G-T. GRCh37 (hg19) VCF-style: chr20-31023501-G-T.
Other names: c.2803G>T, p.Gly935Cys (NM_001363734.1); short protein forms G935C, G996C.
Identifiers: ClinVar variation 4864687 (VCV004864687.1).